The following is an entry in ClinVar:

ClinVar aggregate classification (germline): Uncertain significance (1 of 4 stars; one submission).

Conditions:
Familial adenomatous polyposis 1 (FAP1). Also called: FAMILIAL ADENOMATOUS POLYPOSIS 1, ATTENUATED; POLYPOSIS, ADENOMATOUS INTESTINAL. Identifiers: MedGen C2713442, MONDO:0021056, OMIM 175100. Disease mechanism: loss of function.

Submission:

Labcorp Genetics (formerly Invitae), Labcorp
Classification: Uncertain significance for Familial adenomatous polyposis 1. Last evaluated: 2024-04-03. Review status: criteria provided, single submitter. Criteria: Invitae Variant Classification Sherloc (09022015). Collection method: clinical testing. Allele origin: germline.
Comment: This variant occurs in a non-coding region of the APC gene. It does not change the encoded amino acid sequence of the APC protein. This variant is not present in population databases (gnomAD no frequency). This variant has not been reported in the literature in individuals affected with APC-related conditions. Experimental studies and prediction algorithms are not available or were not evaluated, and the functional significance of this variant is currently unknown. In summary, the available evidence is currently insufficient to determine the role of this variant in disease. Therefore, it has been classified as a Variant of Uncertain Significance.

NM_001127511.3(APC):c.57dup (p.Ser20fs)

Gene: APC (APC regulator of Wnt signaling pathway; plus strand). Cytogenetic location: 5q22.2.
Variant type: Duplication.
Coding change: c.57dup on transcript NM_001127511.3; coding-DNA position 57, one base duplicated (C; older notation c.57dupC).
Protein change: p.Ser20fs; shifts the reading frame from serine 20.
Molecular consequence: frameshift variant. On other transcripts: 5 prime UTR variant (8), non-coding transcript variant (1), intron variant (5).
Genome position (GRCh38, 1-based): chr5:112,707,774, C duplicated; the last of 3 consecutive C bases (chr5:112,707,772-112,707,774); duplicating any one gives the same sequence. VCF-style (leftmost placement, unchanged base first): chr5-112707771-A-AC. GRCh37 (hg19) VCF-style: chr5-112043468-A-AC.
Other names: c.-127dup (NM_001354895.2, NM_001407447.1, NM_001407452.1 and 3 more transcripts); c.57dup, p.Ser20fs (NM_001354897.2, NM_001354902.2, NM_001407446.1); c.-1162dup (NM_001407470.1, NM_001407472.1); c.-19+125dup (NM_001407448.1, NM_001407450.1, NM_001407457.1 and 1 more transcripts); c.-43+125dup (NM_001407453.1); short protein forms S20fs.
Identifiers: ClinVar variation 1055861 (VCV001055861.48), dbSNP rs2149630736, ClinGen allele CA2499217404.